The following is an entry in ClinVar:

ClinVar aggregate classification (germline): Uncertain significance (1 of 4 stars; one submission).

Conditions:
Cardiovascular phenotype. Identifiers: MedGen CN230736.
Hereditary cancer-predisposing syndrome. Also called: Tumor predisposition; Hereditary Cancer Syndrome; Neoplastic Syndromes, Hereditary; Hereditary neoplastic syndrome. Identifiers: Orphanet 140162, MedGen C0027672, MeSH D009386, MONDO:0015356.

Submission:

Ambry Genetics
Classification: Uncertain significance for Cardiovascular phenotype; Hereditary cancer-predisposing syndrome. Last evaluated: 2022-02-15. Review status: criteria provided, single submitter. Criteria: Ambry Variant Classification Scheme 2023. Collection method: clinical testing. Allele origin: germline.
Comment: The p.N957H variant (also known as c.2869A>C), located in coding exon 22 of the NF1 gene, results from an A to C substitution at nucleotide position 2869. The asparagine at codon 957 is replaced by histidine, an amino acid with similar properties. This amino acid position is conserved. In addition, the in silico prediction for this alteration is inconclusive. Since supporting evidence is limited at this time, the clinical significance of this alteration remains unclear.

NM_001042492.3(NF1):c.2869A>C (p.Asn957His)

Gene: NF1 (neurofibromin 1; plus strand). Cytogenetic location: 17q11.2.
Variant type: single nucleotide variant.
Coding change: c.2869A>C on transcript NM_001042492.3 (MANE Select); coding-DNA position 2869, A replaced by C.
Protein change: p.Asn957His; replaces asparagine 957 with histidine.
Molecular consequence: missense variant.
Genome position (GRCh38, 1-based): chr17:31,229,853, A>C. VCF-style: chr17-31229853-A-C. GRCh37 (hg19) VCF-style: chr17-29556871-A-C.
Other names: c.2869A>C, p.Asn957His (NM_000267.4); short protein forms N957H.
Identifiers: ClinVar variation 1797017 (VCV001797017.2), dbSNP rs2151430511, ClinGen allele CA398986014.